The following is an entry in ClinVar:

NM_198994.3(TGM6):c.-42C>T

Gene: TGM6 (transglutaminase 6; plus strand). Cytogenetic location: 20p13.
Variant type: single nucleotide variant.
Coding change: c.-42C>T on transcript NM_198994.3 (MANE Select); 42 bases upstream of the start codon, C replaced by T.
Molecular consequence: 5 prime UTR variant.
Genome position (GRCh38, 1-based): chr20:2,380,927, C>T. VCF-style: chr20-2380927-C-T. GRCh37 (hg19) VCF-style: chr20-2361573-C-T.
Other names: c.-42C>T (NM_001254734.2).
Identifiers: ClinVar variation 898304 (VCV000898304.4), dbSNP rs376489998, ClinGen allele CA9731480.
Genomic context (GRCh38, chr20:2,380,927, plus strand): 5'-CCTTGTTAAAATTGGTCTGGCTGGCTGCTGTGACGCGCCACACTGTCCTGACGGTGCACA[C>T]ACTGCTGTGTGGAGGAACAGAGGAGTCCAGCTGGCCTTCACATGGCAGGTAAGTGGGCAG-3'

ClinVar aggregate classification (germline): Likely benign (1 of 4 stars; one submission).

Conditions:
Spinocerebellar ataxia type 35. Identifiers: Orphanet 276193, MedGen C3888031, MONDO:0013485, OMIM 613908.

Allele frequency attached by ClinVar (database versions not stated): TOPMed 0.00012; ExAC 0.00014; ESP Exome Variant Server 0.00015; gnomAD 0.00015 and 0.00016; gnomAD exomes 0.00016 and 0.00019.
gnomAD v4.1: 295 of 1,601,614 alleles (0.018%); highest among the groups gnomAD compares: Non-Finnish European, 0.024%; no homozygotes.

Submission:

Illumina Laboratory Services, Illumina
Classification: Likely benign for Spinocerebellar ataxia type 35. Last evaluated: 2018-01-13. Review status: criteria provided, single submitter. Criteria: ICSL Variant Classification Criteria 13 December 2019. Collection method: clinical testing. Allele origin: germline.
Comment: This variant was observed in the ICSL laboratory as part of a predisposition screen in an ostensibly healthy population. It had not been previously curated by ICSL or reported in the Human Gene Mutation Database (HGMD: prior to June 1st, 2018), and was therefore a candidate for classification through an automated scoring system. Utilizing variant allele frequency, disease prevalence and penetrance estimates, and inheritance mode, an automated score was calculated to assess if this variant is too frequent to cause the disease. Based on the score and internal cut-off values, a variant classified as likely benign is not then subjected to further curation. The score for this variant resulted in a classification of likely benign for this disease.